The following is an entry in ClinVar:

ClinVar aggregate classification (germline): Conflicting classifications of pathogenicity. Review status: criteria provided, conflicting classifications (1 of 4 stars). 2 submissions from 2 submitters: Likely pathogenic (1); Uncertain significance (1). Last evaluated 2026-08-19.

Conditions:
Larsen syndrome (LRS). Also called: Bilateral dislocation of the knees, pes cavus, cylindrically shaped fingers and characteristic facies; Larsen syndrome (FLNB-LS). Identifiers: Orphanet 503, MedGen C0175778, MONDO:0007875, OMIM 150250. Disease mechanism: loss of function.
Inborn genetic diseases. Identifiers: MedGen C0950123, MeSH D030342.

Submissions (2):

Ambry Genetics
Classification: Uncertain significance for Inborn genetic diseases. Last evaluated: 2026-08-19. Review status: criteria provided, single submitter. Criteria: Ambry Variant Classification Scheme 2023. Collection method: clinical testing. Allele origin: germline.
Comment: The c.4570G>A (p.G1524S) alteration is located in exon 27 (coding exon 27) of the FLNB gene. This alteration results from a G to A substitution at nucleotide position 4570, causing the glycine (G) at amino acid position 1524 to be replaced by a serine (S). This variant was not reported in population-based cohorts in the Genome Aggregation Database (gnomAD). This amino acid position is highly conserved in available vertebrate species. This alteration is predicted to be deleterious by in silico analysis. Based on insufficient or conflicting evidence, the clinical significance of this alteration remains unclear.

Laboratory of Inherited Metabolic Diseases, Research centre for medical genetics
Classification: Likely pathogenic for Larsen syndrome. Last evaluated: 2022-04-01. Review status: criteria provided, single submitter. Criteria: ACMG Guidelines, 2015. Collection method: clinical testing. Allele origin: paternal. Affected: yes. Observed: 2 variant alleles.

NM_001457.4(FLNB):c.4570G>A (p.Gly1524Ser)

Gene: FLNB (filamin B; plus strand). Cytogenetic location: 3p14.3.
Variant type: single nucleotide variant.
Coding change: c.4570G>A on transcript NM_001457.4 (MANE Select); coding-DNA position 4570, G replaced by A.
Protein change: p.Gly1524Ser; replaces glycine 1524 with serine.
Molecular consequence: missense variant.
Genome position (GRCh38, 1-based): chr3:58,134,671, G>A. VCF-style: chr3-58134671-G-A. GRCh37 (hg19) VCF-style: chr3-58120398-G-A.
Other names: c.4570G>A (NM_001457.3); c.4663G>A, p.Gly1555Ser (NM_001164317.2); c.4570G>A, p.Gly1524Ser (NM_001164318.2, NM_001164319.2); short protein forms G1524S, G1555S.
Identifiers: ClinVar variation 1683438 (VCV001683438.3), dbSNP rs2107220190, ClinGen allele CA353351686.